The following is an entry in ClinVar:

NM_004525.3(LRP2):c.9998+5T>G

Gene: LRP2 (LDL receptor related protein 2; minus strand). Cytogenetic location: 2q31.1.
Variant type: single nucleotide variant.
Coding change: c.9998+5T>G on transcript NM_004525.3 (MANE Select); 5 bases into the intron after coding-DNA position 9998, T replaced by G.
Molecular consequence: intron variant.
Genome position (GRCh38, 1-based): chr2:169,182,162, A>C on the plus strand (T>G on the coding strand, the complement: LRP2 is on the minus strand). VCF-style: chr2-169182162-A-C. GRCh37 (hg19) VCF-style: chr2-170038672-A-C.
Identifiers: ClinVar variation 5001628 (VCV005001628.1).

ClinVar aggregate classification (germline): Likely benign (1 of 4 stars; one submission).

Conditions:
LRP2-related disorder. Also called: LRP2-related condition.

Submission:

PreventionGenetics, part of Exact Sciences
Classification: Likely benign for LRP2-related condition. Last evaluated: 2025-06-17. Review status: criteria provided, single submitter. Criteria: ACMG Guidelines, 2015. Collection method: clinical testing. Allele origin: germline.
Comment: This variant is classified as likely benign based on ACMG/AMP sequence variant interpretation guidelines (Richards et al. 2015 PMID: 25741868, with internal and published modifications).